The following is an entry in ClinVar:

NM_001025616.3(ARHGAP24):c.584A>C (p.Lys195Thr)

Gene: ARHGAP24 (Rho GTPase activating protein 24; plus strand). Cytogenetic location: 4q21.23.
Variant type: single nucleotide variant.
Coding change: c.584A>C on transcript NM_001025616.3 (MANE Select); coding-DNA position 584, A replaced by C.
Protein change: p.Lys195Thr; replaces lysine 195 with threonine.
Molecular consequence: missense variant. On other transcripts: intron variant (1).
Genome position (GRCh38, 1-based): chr4:85,942,258, A>C. VCF-style: chr4-85942258-A-C. GRCh37 (hg19) VCF-style: chr4-86863411-A-C.
Other names: c.299A>C, p.Lys100Thr (NM_001042669.2); c.329A>C, p.Lys110Thr (NM_001287805.2); c.305A>C, p.Lys102Thr (NM_031305.3); c.20+18488A>C (NM_001346093.2); short protein forms K100T, K102T, K110T, K195T.
Identifiers: ClinVar variation 2507098 (VCV002507098.1), dbSNP rs2546134100, ClinGen allele CA357697131.

ClinVar aggregate classification (germline): Uncertain significance (1 of 4 stars; one submission).

Allele frequency attached by ClinVar (database versions not stated): gnomAD exomes below 0.00001.
gnomAD v4.1: 1 of 1,614,080 alleles (0.000062%); highest among the groups gnomAD compares: Non-Finnish European, 0.000085%; no homozygotes.

Submission:

GeneDx
Classification: Uncertain significance. Last evaluated: 2022-12-27. Review status: criteria provided, single submitter. Criteria: GeneDx Variant Classification Process June 2021. Collection method: clinical testing. Allele origin: germline. Affected: yes.
Comment: Not observed at significant frequency in large population cohorts (gnomAD); In silico analysis supports that this missense variant has a deleterious effect on protein structure/function; Has not been previously published as pathogenic or benign to our knowledge